The following is an entry in ClinVar:

NM_032188.3(KAT8):c.607A>T (p.Lys203Ter)

Gene: KAT8 (lysine acetyltransferase 8; plus strand). Cytogenetic location: 16p11.2.
Variant type: single nucleotide variant.
Coding change: c.607A>T on transcript NM_032188.3 (MANE Select); coding-DNA position 607, A replaced by T.
Protein change: p.Lys203Ter; replaces lysine 203 with a stop codon.
Molecular consequence: nonsense.
Genome position (GRCh38, 1-based): chr16:31,127,279, A>T. VCF-style: chr16-31127279-A-T. GRCh37 (hg19) VCF-style: chr16-31138600-A-T.
Other names: c.607A>T, p.Lys203Ter (NM_182958.4); short protein forms K203*.
Identifiers: ClinVar variation 2573808 (VCV002573808.2), dbSNP rs1596823796, ClinGen allele CA395672921.
Genomic context (GRCh38, chr16:31,127,279, plus strand): 5'-CACATCGGGAACTACGAAATTGATGCCTGGTATTTCTCACCATTCCCCGAAGACTATGGG[A>T]AACAGCCCAAGCTCTGGCTCTGCGAGTACTGCCTCAAGTACATGAAATATGAGAAGAGCT-3'

ClinVar aggregate classification (germline): Uncertain significance. Review status: criteria provided, multiple submitters, no conflicts (2 of 4 stars). 2 submissions from 2 submitters: Uncertain significance (2). Last evaluated 2024-07-12.

Allele frequency attached by ClinVar (database versions not stated): gnomAD exomes below 0.00001; gnomAD 0.00001; TOPMed 0.00001.

Submissions (2):

Women's Health and Genetics/Laboratory Corporation of America, LabCorp
Classification: Uncertain significance. Last evaluated: 2024-07-12. Review status: criteria provided, single submitter. Criteria: LabCorp Variant Classification Summary - May 2015. Collection method: clinical testing. Allele origin: germline.
Comment: Variant summary: KAT8 c.607A>T (p.Lys203X) results in a premature termination codon, predicted to cause a truncation of the encoded protein or absence of the protein due to nonsense mediated decay, however current evidence is not sufficient to establish loss-of-function variants in KAT8 as causative of disease. The variant was absent in 251496 control chromosomes. The available data on variant occurrences in the general population are insufficient to allow any conclusion about variant significance. To our knowledge, no occurrence of c.607A>T in individuals affected with Li-Ghorbani Syndrome and no experimental evidence demonstrating its impact on protein function have been reported. ClinVar contains an entry for this variant (Variation ID: 2573808). Based on the evidence outlined above, the variant was classified as uncertain significance.

GeneDx
Classification: Uncertain significance. Last evaluated: 2023-07-24. Review status: criteria provided, single submitter. Criteria: GeneDx Variant Classification Process June 2021. Collection method: clinical testing. Allele origin: germline. Affected: yes.
Comment: Not observed at significant frequency in large population cohorts (gnomAD); Nonsense variant predicted to result in protein truncation or nonsense mediated decay in a gene for which loss-of-function is not a known mechanism of disease; Has not been previously published as pathogenic or benign to our knowledge